The following is an entry in ClinVar:

NM_006379.5(SEMA3C):c.1843-9C>G

Gene: SEMA3C (semaphorin 3C; minus strand). Cytogenetic location: 7q21.11.
Variant type: single nucleotide variant.
Coding change: c.1843-9C>G on transcript NM_006379.5 (MANE Select); 9 bases into the intron before coding-DNA position 1843, C replaced by G.
Molecular consequence: intron variant.
Genome position (GRCh38, 1-based): chr7:80,745,316, G>C on the plus strand (C>G on the coding strand, the complement: SEMA3C is on the minus strand). VCF-style: chr7-80745316-G-C. GRCh37 (hg19) VCF-style: chr7-80374632-G-C.
Other names: c.1897-9C>G (NM_001350120.2); c.1669-9C>G (NM_001350121.2).
Identifiers: ClinVar variation 5001149 (VCV005001149.1).
Genomic context (GRCh38, chr7:80,745,316, plus strand): 5'-AGCGGATCAGGAGTCCCTGTGAAGTGGCTATTATTCGTTCATTCAGCTTAACCTAAAAGA[G>C]AGACAAATTAAAGTTACTGAAACTGAACATTATATTTCCTTAGATTATGACCAACATACA-3'

ClinVar aggregate classification (germline): Likely benign (1 of 4 stars; one submission).

Conditions:
SEMA3C-related disorder. Also called: SEMA3C-related condition.

Submission:

PreventionGenetics, part of Exact Sciences
Classification: Likely benign for SEMA3C-related condition. Last evaluated: 2024-10-13. Review status: criteria provided, single submitter. Criteria: ACMG Guidelines, 2015. Collection method: clinical testing. Allele origin: germline.
Comment: This variant is classified as likely benign based on ACMG/AMP sequence variant interpretation guidelines (Richards et al. 2015 PMID: 25741868, with internal and published modifications).